The following is an entry in ClinVar:

NM_017654.4(SAMD9):c.1783A>C (p.Ile595Leu)

Gene: SAMD9 (sterile alpha motif domain containing 9; minus strand). Cytogenetic location: 7q21.2.
Variant type: single nucleotide variant.
Coding change: c.1783A>C on transcript NM_017654.4 (MANE Select); coding-DNA position 1783, A replaced by C.
Protein change: p.Ile595Leu; replaces isoleucine 595 with leucine.
Molecular consequence: missense variant.
Genome position (GRCh38, 1-based): chr7:93,104,315, T>G on the plus strand (A>C on the coding strand, the complement: SAMD9 is on the minus strand). VCF-style: chr7-93104315-T-G. GRCh37 (hg19) VCF-style: chr7-92733628-T-G.
Other names: c.1783A>C, p.Ile595Leu (NM_001193307.2); short protein forms I595L.
Identifiers: ClinVar variation 4827013 (VCV004827013.1).
Genomic context (GRCh38, chr7:93,104,315, plus strand): 5'-TGATCTCTTCAAGGCTTAAAGCAGAAATACATTGGCTTGAAATTTCATCTTGGTGTTTTA[T>G]TAATCTTGCTTCAAGTAGATCTTTCCATCCCTGAAATATGTGTGGGTGCACACAAATACA-3'
Protein context (NP_060124.2, residues 585-605): GWKDLLEARL[Ile595Leu]KHQDEISSQC

ClinVar aggregate classification (germline): Uncertain significance (1 of 4 stars; one submission).

Conditions:
Inborn genetic diseases. Identifiers: MedGen C0950123, MeSH D030342.

Submission:

Ambry Genetics
Classification: Uncertain significance for Inborn genetic diseases. Last evaluated: 2026-03-01. Review status: criteria provided, single submitter. Criteria: Ambry Variant Classification Scheme 2023. Collection method: clinical testing. Allele origin: germline.
Comment: The p.I595L variant (also known as c.1783A>C), located in coding exon 1 of the SAMD9 gene, results from an A to C substitution at nucleotide position 1783. The isoleucine at codon 595 is replaced by leucine, an amino acid with highly similar properties. This amino acid position is conserved. In addition, this alteration is predicted to be tolerated by in silico analysis. Based on the available evidence, the clinical significance of this variant remains unclear.